The following is an entry in ClinVar:

NM_000051.4(ATM):c.5059G>T (p.Ala1687Ser)

Gene: ATM (ATM serine/threonine kinase; plus strand). Cytogenetic location: 11q22.3.
Variant type: single nucleotide variant.
Coding change: c.5059G>T on transcript NM_000051.4 (MANE Select); coding-DNA position 5059, G replaced by T.
Protein change: p.Ala1687Ser; replaces alanine 1687 with serine.
Molecular consequence: missense variant.
Genome position (GRCh38, 1-based): chr11:108,299,767, G>T. VCF-style: chr11-108299767-G-T. GRCh37 (hg19) VCF-style: chr11-108170494-G-T.
Other names: c.5059G>T, p.Ala1687Ser (NM_001351834.2); short protein forms A1687S.
Identifiers: ClinVar variation 482742 (VCV000482742.5), dbSNP rs1555104597, ClinGen allele CA382540496.
Genomic context (GRCh38, chr11:108,299,767, plus strand): 5'-TATGTAGAGGCTGTTGGAAGCTGCTTGGGAGAAGTGGGTCCTATAGATTTCTCTACCATA[G>T]CTATACAACATAGTAAAGATGCATCTTATACCAAGGCCCTTAAGTTATTTGAAGATAAAG-3'
Protein context (NP_000042.3, residues 1677-1697): EVGPIDFSTI[Ala1687Ser]IQHSKDASYT

ClinVar aggregate classification (germline): Uncertain significance (1 of 4 stars; one submission).

Conditions:
Hereditary cancer-predisposing syndrome. Also called: Neoplastic Syndromes, Hereditary; Tumor predisposition; Hereditary Cancer Syndrome; Hereditary neoplastic syndrome. Identifiers: Orphanet 140162, MedGen C0027672, MeSH D009386, MONDO:0015356.

gnomAD v4.1: 2 of 1,613,920 alleles (0.00012%); highest among the groups gnomAD compares: Non-Finnish European, 0.00017%; no homozygotes.

Submission:

Ambry Genetics
Classification: Uncertain significance for Hereditary cancer-predisposing syndrome. Last evaluated: 2024-02-06. Review status: criteria provided, single submitter. Criteria: Ambry Variant Classification Scheme 2023. Collection method: clinical testing. Allele origin: germline.
Comment: The p.A1687S variant (also known as c.5059G>T), located in coding exon 33 of the ATM gene, results from a G to T substitution at nucleotide position 5059. The alanine at codon 1687 is replaced by serine, an amino acid with similar properties. This amino acid position is highly conserved in available vertebrate species. In addition, the in silico prediction for this alteration is inconclusive. Since supporting evidence is limited at this time, the clinical significance of this alteration remains unclear.